The following is an entry in ClinVar:

NM_004994.3(MMP9):c.1375C>T (p.Pro459Ser)

Gene: MMP9 (matrix metallopeptidase 9; plus strand). Cytogenetic location: 20q13.12.
Variant type: single nucleotide variant.
Coding change: c.1375C>T on transcript NM_004994.3 (MANE Select); coding-DNA position 1375, C replaced by T.
Protein change: p.Pro459Ser; replaces proline 459 with serine.
Molecular consequence: missense variant.
Genome position (GRCh38, 1-based): chr20:46,013,299, C>T. VCF-style: chr20-46013299-C-T. GRCh37 (hg19) VCF-style: chr20-44641938-C-T.
Other names: short protein forms P459S.
Identifiers: ClinVar variation 4752033 (VCV004752033.1).

ClinVar aggregate classification (germline): Uncertain significance (1 of 4 stars; one submission).

Submission:

Labcorp Genetics (formerly Invitae), Labcorp
Classification: Uncertain significance. Last evaluated: 2025-12-22. Review status: criteria provided, single submitter. Criteria: Invitae Variant Classification Sherloc (09022015). Collection method: clinical testing. Allele origin: germline.
Comment: This sequence change replaces proline, which is neutral and non-polar, with serine, which is neutral and polar, at codon 459 of the MMP9 protein (p.Pro459Ser). This variant is present in population databases (rs147087483, gnomAD 0.03%). This variant has not been reported in the literature in individuals affected with MMP9-related conditions. An algorithm developed to predict the effect of missense changes on protein structure and function (PolyPhen-2) suggests that this variant is likely to be tolerated. In summary, the available evidence is currently insufficient to determine the role of this variant in disease. Therefore, it has been classified as a Variant of Uncertain Significance.